The following is an entry in ClinVar:

NM_015192.4(PLCB1):c.340A>G (p.Ile114Val)

Gene: PLCB1 (phospholipase C beta 1; plus strand). Cytogenetic location: 20p12.3.
Variant type: single nucleotide variant.
Coding change: c.340A>G on transcript NM_015192.4 (MANE Select); coding-DNA position 340, A replaced by G.
Protein change: p.Ile114Val; replaces isoleucine 114 with valine.
Molecular consequence: missense variant.
Genome position (GRCh38, 1-based): chr20:8,628,387, A>G. VCF-style: chr20-8628387-A-G. GRCh37 (hg19) VCF-style: chr20-8609034-A-G.
Other names: c.340A>G, p.Ile114Val (NM_182734.3); short protein forms I114V.
Identifiers: ClinVar variation 1394876 (VCV001394876.8), dbSNP rs561450964, ClinGen allele CA9759654.

ClinVar aggregate classification (germline): Uncertain significance (1 of 4 stars; one submission).

Conditions:
Developmental and epileptic encephalopathy, 12 (DEE12). Identifiers: MedGen C3150988, MONDO:0013389, OMIM 613722.

Allele frequency attached by ClinVar (database versions not stated): gnomAD exomes below 0.00001; ExAC 0.00001; gnomAD 0.00001; TOPMed 0.00001; 1000 Genomes Project 30x 0.00016; 1000 Genomes Project 0.00020.
gnomAD v4.1: 3 of 1,614,074 alleles (0.00019%); highest among the groups gnomAD compares: Admixed American, 0.0033%; no homozygotes.

Submission:

Labcorp Genetics (formerly Invitae), Labcorp
Classification: Uncertain significance for Developmental and epileptic encephalopathy, 12. Last evaluated: 2022-09-27. Review status: criteria provided, single submitter. Criteria: Invitae Variant Classification Sherloc (09022015). Collection method: clinical testing. Allele origin: germline.
Comment: ClinVar contains an entry for this variant (Variation ID: 1394876). This sequence change replaces isoleucine, which is neutral and non-polar, with valine, which is neutral and non-polar, at codon 114 of the PLCB1 protein (p.Ile114Val). This variant is present in population databases (rs561450964, gnomAD 0.006%). This variant has not been reported in the literature in individuals affected with PLCB1-related conditions. Advanced modeling of protein sequence and biophysical properties (such as structural, functional, and spatial information, amino acid conservation, physicochemical variation, residue mobility, and thermodynamic stability) performed at Invitae indicates that this missense variant is not expected to disrupt PLCB1 protein function. In summary, the available evidence is currently insufficient to determine the role of this variant in disease. Therefore, it has been classified as a Variant of Uncertain Significance.